The following is an entry in ClinVar:

NM_002206.3(ITGA7):c.1887+29G>A

Gene: ITGA7 (integrin subunit alpha 7; minus strand). Cytogenetic location: 12q13.2.
Variant type: single nucleotide variant.
Coding change: c.1887+29G>A on transcript NM_002206.3 (MANE Select); 29 bases into the intron after coding-DNA position 1887, G replaced by A.
Molecular consequence: intron variant.
Genome position (GRCh38, 1-based): chr12:55,696,254, C>T on the plus strand (G>A on the coding strand, the complement: ITGA7 is on the minus strand). VCF-style: chr12-55696254-C-T. GRCh37 (hg19) VCF-style: chr12-56090038-C-T.
Other names: c.1608+29G>A (NM_001144997.2); c.1560+29G>A (NM_001367993.1); c.1548+29G>A (NM_001414035.1); c.1704+29G>A (NM_001414033.1); c.543+29G>A (NM_001367994.1); c.1767+29G>A (NM_001414032.1); c.1800+29G>A (NM_001414031.1); c.1869+29G>A (NM_001374465.1); and 5 more.
Identifiers: ClinVar variation 682019 (VCV000682019.4), dbSNP rs7974721, ClinGen allele CA6615808.

ClinVar aggregate classification (germline): Benign. Review status: criteria provided, multiple submitters, no conflicts (2 of 4 stars). 3 submissions from 3 submitters: Benign (3). Last evaluated 2021-08-19.

Conditions:
Congenital muscular dystrophy due to integrin alpha-7 deficiency. Also called: MYOPATHY, CONGENITAL, DUE TO INTEGRIN ALPHA-7 DEFICIENCY; Congenital muscular dystrophy with integrin alpha-7 deficiency; Muscular dystrophy, congenital, due to ITGA7 deficiency. Identifiers: Orphanet 34520, MedGen C2750786, MONDO:0013177, OMIM 613204.

Allele frequency attached by ClinVar (database versions not stated): ESP Exome Variant Server 0.44581; gnomAD 0.49050 and 0.50498; TOPMed 0.49138; gnomAD exomes 0.59261; 1000 Genomes Project 30x 0.59354; ExAC 0.60337; 1000 Genomes Project 0.60603.
gnomAD v4.1: 812,880 of 1,550,564 alleles (52%); highest among the groups gnomAD compares: East Asian, 93%; 221,387 homozygotes.

Submissions (3):

Genome-Nilou Lab
Classification: Benign for Congenital muscular dystrophy due to integrin alpha-7 deficiency. Last evaluated: 2021-08-19. Review status: criteria provided, single submitter. Criteria: ACMG Guidelines, 2015. Collection method: clinical testing. Allele origin: germline. Affected: no.

GeneDx
Classification: Benign. Last evaluated: 2018-06-14. Review status: criteria provided, single submitter. Criteria: GeneDx Variant Classification (06012015). Collection method: clinical testing. Allele origin: germline. Affected: yes.
Comment: This variant is considered likely benign or benign based on one or more of the following criteria: it is a conservative change, it occurs at a poorly conserved position in the protein, it is predicted to be benign by multiple in silico algorithms, and/or has population frequency not consistent with disease.

Breakthrough Genomics
Classification: Benign. Review status: criteria provided, single submitter. Criteria: ACMG Guidelines, 2015. Collection method: not provided. Allele origin: germline. Inheritance: Autosomal recessive inheritance. Affected: yes.